The following is an entry in ClinVar:

NM_032638.5(GATA2):c.317C>A (p.Ser106Tyr)

Gene: GATA2 (GATA binding protein 2; minus strand). Cytogenetic location: 3q21.3.
Variant type: single nucleotide variant.
Coding change: c.317C>A on transcript NM_032638.5 (MANE Select); coding-DNA position 317, C replaced by A.
Protein change: p.Ser106Tyr; replaces serine 106 with tyrosine.
Molecular consequence: missense variant.
Genome position (GRCh38, 1-based): chr3:128,486,281, G>T on the plus strand (C>A on the coding strand, the complement: GATA2 is on the minus strand). VCF-style: chr3-128486281-G-T. GRCh37 (hg19) VCF-style: chr3-128205124-G-T.
Other names: c.317C>A, p.Ser106Tyr (NM_001145661.2, NM_001145662.1); short protein forms S106Y.
Identifiers: ClinVar variation 4262110 (VCV004262110.1).

ClinVar aggregate classification (germline): Uncertain significance (1 of 4 stars; one submission).

Conditions:
Inborn genetic diseases. Identifiers: MedGen C0950123, MeSH D030342.

Submission:

Ambry Genetics
Classification: Uncertain significance for Inborn genetic diseases. Last evaluated: 2025-06-22. Review status: criteria provided, single submitter. Criteria: Ambry Variant Classification Scheme 2023. Collection method: clinical testing. Allele origin: germline.
Comment: The p.S106Y variant (also known as c.317C>A), located in coding exon 2 of the GATA2 gene, results from a C to A substitution at nucleotide position 317. The serine at codon 106 is replaced by tyrosine, an amino acid with dissimilar properties. This amino acid position is conserved. In addition, this alteration is predicted to be deleterious by in silico analysis. Based on the available evidence, the clinical significance of this variant remains unclear.